The following is an entry in ClinVar:

ClinVar aggregate classification (germline): Likely benign (1 of 4 stars; one submission).

gnomAD v4.1: 228 of 1,595,190 alleles (0.014%); highest among the groups gnomAD compares: Admixed American, 0.053%; no homozygotes.

Submission:

CeGaT Center for Human Genetics Tuebingen
Classification: Likely benign. Last evaluated: 2024-09-01. Review status: criteria provided, single submitter. Criteria: CeGaT Center For Human Genetics Tuebingen Variant Classification Criteria Version 2. Collection method: clinical testing. Allele origin: germline. Affected: yes. Observed: 1 variant allele.
Comment: TTC21A: BP4, BP7

NM_001366900.1(TTC21A):c.897A>T (p.Arg299=)

Gene: TTC21A (tetratricopeptide repeat domain 21A; plus strand). Cytogenetic location: 3p22.2.
Variant type: single nucleotide variant.
Coding change: c.897A>T on transcript NM_001366900.1 (MANE Select); coding-DNA position 897, A replaced by T.
Protein change: p.Arg299=; no amino-acid change (arginine 299 retained).
Molecular consequence: synonymous variant. On other transcripts: non-coding transcript variant (3).
Genome position (GRCh38, 1-based): chr3:39,120,017, A>T. VCF-style: chr3-39120017-A-T. GRCh37 (hg19) VCF-style: chr3-39161508-A-T.
Other names: c.774A>T, p.Arg258= (NM_001105513.3); c.921A>T, p.Arg307= (NM_001366899.1, NM_145755.3).
Identifiers: ClinVar variation 3388566 (VCV003388566.14).